The following is an entry in ClinVar:

NM_001098.3(ACO2):c.1534_1537dup (p.Tyr513Ter)

Gene: ACO2 (aconitase 2; plus strand). Cytogenetic location: 22q13.2.
Variant type: Duplication.
Coding change: c.1534_1537dup on transcript NM_001098.3 (MANE Select); coding-DNA positions 1534 to 1537, 4 bases duplicated (GACT; older notation c.1534_1537dupGACT).
Protein change: p.Tyr513Ter; replaces tyrosine 513 with a stop codon.
Molecular consequence: nonsense.
Genome position (GRCh38, 1-based): chr22:41,524,897-41,524,900, GACT duplicated. VCF-style (leftmost placement, unchanged base first): chr22-41524896-C-CGACT. GRCh37 (hg19) VCF-style: chr22-41920900-C-CGACT.
Other names: short protein forms Y513*.
Identifiers: ClinVar variation 1451664 (VCV001451664.6), dbSNP rs2146139087, ClinGen allele CA2573158219.
Genomic context (GRCh38, chr22:41,524,896, plus strand): 5'-TCCATTTCAGATTGTCACAGCCCTGGCCATTGCGGGAACCCTCAAGTTCAACCCAGAGAC[C>CGACT]GACTACCTGACGGGCACGGATGGCAAGAAGTTCAGGCTGGAGGCTCCGGATGCAGATGAG-3'

ClinVar aggregate classification (germline): Pathogenic (1 of 4 stars; one submission).

Submission:

Labcorp Genetics (formerly Invitae), Labcorp
Classification: Pathogenic. Last evaluated: 2022-08-31. Review status: criteria provided, single submitter. Criteria: Invitae Variant Classification Sherloc (09022015). Collection method: clinical testing. Allele origin: germline.
Comment: This variant is not present in population databases (gnomAD no frequency). This sequence change creates a premature translational stop signal (p.Tyr513*) in the ACO2 gene. It is expected to result in an absent or disrupted protein product. Loss-of-function variants in ACO2 are known to be pathogenic (PMID: 30689204, 32519519). This variant has not been reported in the literature in individuals affected with ACO2-related conditions. For these reasons, this variant has been classified as Pathogenic. ClinVar contains an entry for this variant (Variation ID: 1451664).

Literature cited by the submitters: PubMed 30689204; PubMed 32519519.